The following is an entry in ClinVar:

ClinVar aggregate classification (germline): Pathogenic. Review status: reviewed by expert panel (3 of 4 stars). 2 submissions from 2 submitters: Pathogenic (1). 1 of the submissions does not count toward it. Last evaluated 2026-01-20.

Conditions:
Open-angle glaucoma. Identifiers: MedGen C0017612, MONDO:0005338, HP:0012108.
Glaucoma 1, open angle, A (GLC1A). Also called: Glaucoma, Dominant (Juvenile Onset). Identifiers: Orphanet 98977, MedGen C1842028, MONDO:0007664, OMIM 137750.

Submissions (2):

ClinGen Glaucoma Variant Curation Expert Panel
Classification: Pathogenic for Open-angle glaucoma. Last evaluated: 2026-01-20. Review status: reviewed by expert panel. Criteria: ClinGen Glaucoma ACMG Specifications V2.0.0 Approved. Collection method: curation. Allele origin: germline. Inheritance: Autosomal dominant inheritance.
Comment: The c.1091G>T variant in MYOC is a missense variant predicted to cause substitution of Glycine by Valine at amino acid 364 (p.Gly364Val). This variant was not found in any genetic ancestry group of gnomAD (v4.1.0), meeting the ≤ 0.0001 threshold set for PM2_Supporting in a genetic ancestry group of at least 10,000 alleles. The REVEL score = 0.896, which was within the 0.773-0.931 range for PP3_Moderate, predicting a damaging effect on MYOC function. The Gly364Val protein had increased instability and reduced secretion levels compared to wild type myocilin protein in these studies (PMIDs: 16466712, 21612213, 23129764). The assays met the OddsPath threshold for PS3_Moderate (> 4.3), indicating that this variant did impact protein function. This protein has also been assessed in these other studies (PMIDs: 10545602, 11152659, 15069026, 16297911), however, the same level of evidence was not met. 18 segregations in 2 families, with juvenile or primary open angle glaucoma (JOAG or POAG), have been reported (PMID: 9535666), which fulfilled PP1_Strong (≥7 meioses in >1 family). 2 probands with JOAG or POAG have been reported carrying this variant (PMID: 10196380), which met PS4_Supporting (≥ 2 probands). In summary, this variant met the criteria to receive a score of 10 and to be classified as pathogenic (pathogenic classification ≥ 10, adapted from PMID: 32720330) for juvenile open angle glaucoma based on the ACMG/AMP criteria met, as specified by the ClinGen Glaucoma VCEP (v2.0.0, 5 Dec 2024): PP1_Strong, PS3_Moderate, PP3_Moderate, PS4_Supporting, PM2_Supporting.

OMIM
Classification: Pathogenic for GLAUCOMA 1, OPEN ANGLE, A. Last evaluated: 2018-11-07. Review status: no assertion criteria provided. Collection method: literature only. Allele origin: germline. Not counted in ClinVar's aggregate classification.

Literature cited by the submitters: PubMed 15069026 (cited by ClinGen Glaucoma Variant Curation Expert Panel); PubMed 21612213 (cited by ClinGen Glaucoma Variant Curation Expert Panel); PubMed 23129764 (cited by ClinGen Glaucoma Variant Curation Expert Panel); PubMed 25524706 (cited by ClinGen Glaucoma Variant Curation Expert Panel); Stone, E. M. Personal Communication. 1999. Iowa City, Iowa (cited by OMIM).

NM_000261.2(MYOC):c.1091G>T (p.Gly364Val)

Gene: MYOC (myocilin; minus strand). Cytogenetic location: 1q24.3.
Variant type: single nucleotide variant.
Coding change: c.1091G>T on transcript NM_000261.2 (MANE Select); coding-DNA position 1091, G replaced by T.
Protein change: p.Gly364Val; replaces glycine 364 with valine.
Molecular consequence: missense variant.
Genome position (GRCh38, 1-based): chr1:171,636,349, C>A on the plus strand (G>T on the coding strand, the complement: MYOC is on the minus strand). VCF-style: chr1-171636349-C-A. GRCh37 (hg19) VCF-style: chr1-171605489-C-A.
Other names: MYOC, GLY357VAL; NM_000261.2(MYOC):c.1091G>T; short protein forms G364V.
Identifiers: ClinVar variation 7947 (VCV000007947.8), dbSNP rs121909193, ClinGen allele CA119170.
Genomic context (GRCh38, chr1:171,636,349, plus strand): 5'-TCCACAGCCAAGTCAATGTCCGTGTAGCCACCCCAAGAATACGGGAACTGTCCGTGGTAG[C>A]CAGCTCCAGGGATTTCCTTCTCAGCCTTCACTGTCTCGGTATTCAGCTCATATCTTATGA-3'
Protein context (NP_000252.1, residues 354-374): VKAEKEIPGA[Gly364Val]YHGQFPYSWG